The following is an entry in ClinVar:

ClinVar aggregate classification (germline): Uncertain significance (1 of 4 stars; one submission).

gnomAD v4.1: 11 of 1,614,034 alleles (0.00068%); highest among the groups gnomAD compares: African/African-American, 0.015%; no homozygotes.

Submission:

Labcorp Genetics (formerly Invitae), Labcorp
Classification: Uncertain significance. Last evaluated: 2024-12-19. Review status: criteria provided, single submitter. Criteria: Invitae Variant Classification Sherloc (09022015). Collection method: clinical testing. Allele origin: germline.
Comment: This sequence change replaces valine, which is neutral and non-polar, with leucine, which is neutral and non-polar, at codon 67 of the TNFRSF11A protein (p.Val67Leu). This variant is present in population databases (rs148445879, gnomAD 0.02%). This variant has not been reported in the literature in individuals affected with TNFRSF11A-related conditions. Invitae Evidence Modeling of protein sequence and biophysical properties (such as structural, functional, and spatial information, amino acid conservation, physicochemical variation, residue mobility, and thermodynamic stability) indicates that this missense variant is not expected to disrupt TNFRSF11A protein function with a negative predictive value of 80%. In summary, the available evidence is currently insufficient to determine the role of this variant in disease. Therefore, it has been classified as a Variant of Uncertain Significance.

NM_003839.4(TNFRSF11A):c.199G>T (p.Val67Leu)

Gene: TNFRSF11A (TNF receptor superfamily member 11a; plus strand). Cytogenetic location: 18q21.33.
Variant type: single nucleotide variant.
Coding change: c.199G>T on transcript NM_003839.4 (MANE Select); coding-DNA position 199, G replaced by T.
Protein change: p.Val67Leu; replaces valine 67 with leucine.
Molecular consequence: missense variant.
Genome position (GRCh38, 1-based): chr18:62,349,853, G>T. VCF-style: chr18-62349853-G-T. GRCh37 (hg19) VCF-style: chr18-60017086-G-T.
Other names: c.199G>T, p.Val67Leu (NM_001270949.2, NM_001270950.2, NM_001270951.2 and 1 more transcripts); short protein forms V67L.
Identifiers: ClinVar variation 3626345 (VCV003626345.2).